The following is an entry in ClinVar:

NM_004100.5(EYA4):c.316A>G (p.Ser106Gly)

Genes: EYA4 (EYA transcriptional coactivator and phosphatase 4; plus strand), EYA4-AS2 (EYA4 antisense RNA 2; minus strand). Cytogenetic location: 6q23.2.
Variant type: single nucleotide variant.
Coding change: c.316A>G on transcript NM_004100.5 (MANE Select); coding-DNA position 316, A replaced by G.
Protein change: p.Ser106Gly; replaces serine 106 with glycine.
Molecular consequence: missense variant. On other transcripts: intron variant (2).
Genome position (GRCh38, 1-based): chr6:133,456,594, A>G. VCF-style: chr6-133456594-A-G. GRCh37 (hg19) VCF-style: chr6-133777732-A-G.
Other names: c.316A>G, p.Ser106Gly (NM_001301013.2, NM_172105.4); c.247A>G, p.Ser83Gly (NM_001370458.1, NM_172103.4); c.209-4520A>G (NM_001370459.1, NM_001301012.2); short protein forms S106G, S83G.
Identifiers: ClinVar variation 3223697 (VCV003223697.1), dbSNP rs2534465855, ClinGen allele CA365694334.

ClinVar aggregate classification (germline): Uncertain significance (1 of 4 stars; one submission).

Conditions:
Cardiovascular phenotype. Identifiers: MedGen CN230736.

Allele frequency attached by ClinVar (database versions not stated): gnomAD exomes below 0.00001.
gnomAD v4.1: 2 of 1,613,710 alleles (0.00012%); highest among the groups gnomAD compares: Non-Finnish European, 0.000085%; no homozygotes.

Submission:

Ambry Genetics
Classification: Uncertain significance for Cardiovascular phenotype. Last evaluated: 2024-02-09. Review status: criteria provided, single submitter. Criteria: Ambry Variant Classification Scheme 2023. Collection method: clinical testing. Allele origin: germline.
Comment: The p.S106G variant (also known as c.316A>G), located in coding exon 5 of the EYA4 gene, results from an A to G substitution at nucleotide position 316. The serine at codon 106 is replaced by glycine, an amino acid with similar properties. This amino acid position is conserved. In addition, the in silico prediction for this alteration is inconclusive. Based on the available evidence, the clinical significance of this alteration remains unclear.